The following is an entry in ClinVar:

NM_001103.4(ACTN2):c.1304C>T (p.Thr435Ile)

Gene: ACTN2 (actinin alpha 2; plus strand). Cytogenetic location: 1q43.
Variant type: single nucleotide variant.
Coding change: c.1304C>T on transcript NM_001103.4 (MANE Select); coding-DNA position 1304, C replaced by T.
Protein change: p.Thr435Ile; replaces threonine 435 with isoleucine.
Molecular consequence: missense variant. On other transcripts: non-coding transcript variant (1).
Genome position (GRCh38, 1-based): chr1:236,744,674, C>T. VCF-style: chr1-236744674-C-T. GRCh37 (hg19) VCF-style: chr1-236907974-C-T.
Other names: c.1304C>T, p.Thr435Ile (NM_001278343.2); c.680C>T, p.Thr227Ile (NM_001278344.2); c.554C>T, p.Thr185Ile (NM_001412150.1); short protein forms T227I, T185I, T435I.
Identifiers: ClinVar variation 2946732 (VCV002946732.2), dbSNP rs777708633, ClinGen allele CA1473114.
Genomic context (GRCh38, chr1:236,744,674, plus strand): 5'-CCACCTTTGCAGGCAAAGAGCAGATCTTGCTGCAGAAGGATTACGAGTCGGCGTCGCTGA[C>T]AGAGGTGCGGGCTCTGCTGCGGAAGCACGAGGCGTTCGAGAGCGACCTGGCAGCGCACCA-3'
Protein context (NP_001094.1, residues 425-445): LQKDYESASL[Thr435Ile]EVRALLRKHE

ClinVar aggregate classification (germline): Uncertain significance (1 of 4 stars; one submission).

Conditions:
Primary familial hypertrophic cardiomyopathy (HCM). Identifiers: Orphanet 99739, MedGen C0949658, MeSH D024741, MONDO:0024573. Inheritance: Various modes of inheritance.
Dilated cardiomyopathy 1AA (CMD1AA). Also called: CARDIOMYOPATHY, DILATED, 1AA, WITH OR WITHOUT LEFT VENTRICULAR NONCOMPACTION; CARDIOMYOPATHY, FAMILIAL HYPERTROPHIC, 23, WITH OR WITHOUT LEFT VENTRICULAR NONCOMPACTION; Cardiomyopathy, dilated, 1AA, with or without LVNC. Identifiers: Orphanet 154, MedGen C2677338, MONDO:0012808, OMIM 612158.

Allele frequency attached by ClinVar (database versions not stated): gnomAD exomes below 0.00001; gnomAD 0.00001; TOPMed 0.00001; ExAC 0.00002.
gnomAD v4.1: 8 of 1,614,120 alleles (0.0005%); highest among the groups gnomAD compares: Non-Finnish European, 0.00068%; no homozygotes.

Submission:

Labcorp Genetics (formerly Invitae), Labcorp
Classification: Uncertain significance for Primary familial hypertrophic cardiomyopathy; Dilated cardiomyopathy 1AA. Last evaluated: 2025-01-30. Review status: criteria provided, single submitter. Criteria: Invitae Variant Classification Sherloc (09022015). Collection method: clinical testing. Allele origin: germline.
Comment: This sequence change replaces threonine, which is neutral and polar, with isoleucine, which is neutral and non-polar, at codon 435 of the ACTN2 protein (p.Thr435Ile). This variant is present in population databases (rs777708633, gnomAD 0.003%). This variant has not been reported in the literature in individuals affected with ACTN2-related conditions. ClinVar contains an entry for this variant (Variation ID: 2946732). Invitae Evidence Modeling of protein sequence and biophysical properties (such as structural, functional, and spatial information, amino acid conservation, physicochemical variation, residue mobility, and thermodynamic stability) indicates that this missense variant is not expected to disrupt ACTN2 protein function with a negative predictive value of 80%. In summary, the available evidence is currently insufficient to determine the role of this variant in disease. Therefore, it has been classified as a Variant of Uncertain Significance.